The following is an entry in ClinVar:

ClinVar aggregate classification (germline): Uncertain significance (1 of 4 stars; one submission).

Conditions:
DYRK1A-related intellectual disability syndrome (MRD7). Also called: Intellectual developmental disorder, autosomal dominant 7; DYRK1A Syndrome. Identifiers: Orphanet 464306, MedGen C5568143, MONDO:0013578, OMIM 614104.

Submission:

Labcorp Genetics (formerly Invitae), Labcorp
Classification: Uncertain significance for DYRK1A-related intellectual disability syndrome. Last evaluated: 2024-05-22. Review status: criteria provided, single submitter. Criteria: Invitae Variant Classification Sherloc (09022015). Collection method: clinical testing. Allele origin: germline.
Comment: This sequence change falls in intron 8 of the DYRK1A gene. It does not directly change the encoded amino acid sequence of the DYRK1A protein. It affects a nucleotide within the consensus splice site. This variant is not present in population databases (gnomAD no frequency). This variant has not been reported in the literature in individuals affected with DYRK1A-related conditions. Variants that disrupt the consensus splice site are a relatively common cause of aberrant splicing (PMID: 17576681, 9536098). Algorithms developed to predict the effect of sequence changes on RNA splicing suggest that this variant is not likely to affect RNA splicing. In summary, the available evidence is currently insufficient to determine the role of this variant in disease. Therefore, it has been classified as a Variant of Uncertain Significance.

Literature cited by the submitters: PubMed 17576681; PubMed 9536098.

NM_001347721.2(DYRK1A):c.1212+5A>C

Gene: DYRK1A (dual specificity tyrosine phosphorylation regulated kinase 1A; plus strand). Cytogenetic location: 21q22.13.
Variant type: single nucleotide variant.
Coding change: c.1212+5A>C on transcript NM_001347721.2 (MANE Select); 5 bases into the intron after coding-DNA position 1212, A replaced by C.
Molecular consequence: intron variant.
Genome position (GRCh38, 1-based): chr21:37,496,263, A>C. VCF-style: chr21-37496263-A-C. GRCh37 (hg19) VCF-style: chr21-38868565-A-C.
Other names: c.1239+5A>C (NM_001396.5, NM_101395.2, NM_130438.2); c.1212+5A>C (NM_001347722.2, NM_130436.2); c.1125+5A>C (NM_001347723.2).
Identifiers: ClinVar variation 3654232 (VCV003654232.2).